The following is an entry in ClinVar:

ClinVar aggregate classification (germline): Uncertain significance. Review status: criteria provided, multiple submitters, no conflicts (2 of 4 stars). 2 submissions from 2 submitters: Uncertain significance (2). Last evaluated 2025-09-05.

Allele frequency attached by ClinVar (database versions not stated): gnomAD exomes below 0.00001; gnomAD 0.00001; TOPMed 0.00001.
gnomAD v4.1: 2 of 1,611,812 alleles (0.00012%); highest among the groups gnomAD compares: East Asian, 0.0045%; no homozygotes.

Submissions (2):

Women's Health and Genetics/Laboratory Corporation of America, LabCorp
Classification: Uncertain significance. Last evaluated: 2025-09-05. Review status: criteria provided, single submitter. Criteria: LabCorp Variant Classification Summary - May 2015. Collection method: clinical testing. Allele origin: germline.
Comment: Variant summary: COL9A1 c.755G>A (p.Cys252Tyr) results in a non-conservative amino acid change in the encoded protein sequence. Algorithms developed to predict the effect of missense changes on protein structure and function all suggest that this variant is likely to be disruptive. The variant was absent in 247332 control chromosomes. The available data on variant occurrences in the general population are insufficient to allow any conclusion about variant significance. c.755G>A has been observed in an individual affected with Aortic Dissection (Li_2017). This report does not provide unequivocal conclusions about association of the variant with COL9A1-Related Disorders. To our knowledge, no experimental evidence demonstrating an impact on protein function has been reported. The following publication has been ascertained in the context of this evaluation (PMID: 27975164). ClinVar contains an entry for this variant (Variation ID: 856261). Based on the evidence outlined above, the variant was classified as uncertain significance.

Labcorp Genetics (formerly Invitae), Labcorp
Classification: Uncertain significance. Last evaluated: 2024-03-04. Review status: criteria provided, single submitter. Criteria: Invitae Variant Classification Sherloc (09022015). Collection method: clinical testing. Allele origin: germline.
Comment: This sequence change replaces cysteine, which is neutral and slightly polar, with tyrosine, which is neutral and polar, at codon 252 of the COL9A1 protein (p.Cys252Tyr). This variant is not present in population databases (gnomAD no frequency). This variant has not been reported in the literature in individuals affected with COL9A1-related conditions. ClinVar contains an entry for this variant (Variation ID: 856261). Advanced modeling of protein sequence and biophysical properties (such as structural, functional, and spatial information, amino acid conservation, physicochemical variation, residue mobility, and thermodynamic stability) performed at Invitae indicates that this missense variant is not expected to disrupt COL9A1 protein function with a negative predictive value of 95%. In summary, the available evidence is currently insufficient to determine the role of this variant in disease. Therefore, it has been classified as a Variant of Uncertain Significance.

Literature cited by the submitters: PubMed 27975164 (cited by Women's Health and Genetics/Laboratory Corporation of America, LabCorp).

NM_001851.6(COL9A1):c.755G>A (p.Cys252Tyr)

Gene: COL9A1 (collagen type IX alpha 1 chain; minus strand). Cytogenetic location: 6q13.
Variant type: single nucleotide variant.
Coding change: c.755G>A on transcript NM_001851.6 (MANE Select); coding-DNA position 755, G replaced by A.
Protein change: p.Cys252Tyr; replaces cysteine 252 with tyrosine.
Molecular consequence: missense variant.
Genome position (GRCh38, 1-based): chr6:70,283,762, C>T on the plus strand (G>A on the coding strand, the complement: COL9A1 is on the minus strand). VCF-style: chr6-70283762-C-T. GRCh37 (hg19) VCF-style: chr6-70993465-C-T.
Other names: c.755G>A, p.Cys252Tyr (NM_001377291.1); short protein forms C252Y.
Identifiers: ClinVar variation 856261 (VCV000856261.10), dbSNP rs1001980199, ClinGen allele CA140820530.
Genomic context (GRCh38, chr6:70,283,762, plus strand): 5'-TAGAAGTGGCCTTTGCAGGTAGTCAGGGGACTCACCGTTATTCTGGCTGGCAGCTCATGG[C>T]AAGTTTCTCTCCTGGGCCGCAGGGGGTCACAATGGATCAGCATCCATTGAAGTTCAAACT-3'
Protein context (NP_001842.3, residues 242-262): CDPLRPRRET[Cys252Tyr]HELPARITPS